The following is an entry in ClinVar:

NM_030943.4(AMN):c.128G>C (p.Cys43Ser)

Gene: AMN (amnion associated transmembrane protein; plus strand). Cytogenetic location: 14q32.32.
Variant type: single nucleotide variant.
Coding change: c.128G>C on transcript NM_030943.4 (MANE Select); coding-DNA position 128, G replaced by C.
Protein change: p.Cys43Ser; replaces cysteine 43 with serine.
Molecular consequence: missense variant. On other transcripts: 5 prime UTR variant (1).
Genome position (GRCh38, 1-based): chr14:102,923,795, G>C. VCF-style: chr14-102923795-G-C. GRCh37 (hg19) VCF-style: chr14-103390132-G-C.
Other names: c.-35G>C (NM_001425246.1); short protein forms C43S.
Identifiers: ClinVar variation 4741670 (VCV004741670.1).

ClinVar aggregate classification (germline): Uncertain significance (1 of 4 stars; one submission).

Conditions:
Imerslund-Grasbeck syndrome. Also called: ENTEROCYTE COBALAMIN MALABSORPTION; ENTEROCYTE INTRINSIC FACTOR RECEPTOR, DEFECT OF; PERNICIOUS ANEMIA, JUVENILE, DUE TO SELECTIVE INTESTINAL MALABSORPTION OF VITAMIN B12, WITH PROTEINURIA; Imerslund-Gräsbeck syndrome; Megaloblastic anemia due to inborn errors of metabolism. Identifiers: Orphanet 35858, MedGen C4551825, MONDO:0009853.

Submission:

Labcorp Genetics (formerly Invitae), Labcorp
Classification: Uncertain significance for Imerslund-Grasbeck syndrome. Last evaluated: 2025-02-20. Review status: criteria provided, single submitter. Criteria: Invitae Variant Classification Sherloc (09022015). Collection method: clinical testing. Allele origin: germline.
Comment: This sequence change replaces cysteine, which is neutral and slightly polar, with serine, which is neutral and polar, at codon 43 of the AMN protein (p.Cys43Ser). This variant is not present in population databases (gnomAD no frequency). This variant has not been reported in the literature in individuals affected with AMN-related conditions. Invitae Evidence Modeling of protein sequence and biophysical properties (such as structural, functional, and spatial information, amino acid conservation, physicochemical variation, residue mobility, and thermodynamic stability) has been performed for this missense variant. However, the output from this modeling did not meet the statistical confidence thresholds required to predict the impact of this variant on AMN protein function. In summary, the available evidence is currently insufficient to determine the role of this variant in disease. Therefore, it has been classified as a Variant of Uncertain Significance.